The following is an entry in ClinVar:

NM_001374259.2(IL12RB2):c.2186G>C (p.Arg729Thr)

Gene: IL12RB2 (interleukin 12 receptor subunit beta 2; plus strand). Cytogenetic location: 1p31.3.
Variant type: single nucleotide variant.
Coding change: c.2186G>C on transcript NM_001374259.2 (MANE Select); coding-DNA position 2186, G replaced by C.
Protein change: p.Arg729Thr; replaces arginine 729 with threonine.
Molecular consequence: missense variant. On other transcripts: 3 prime UTR variant (3), non-coding transcript variant (2).
Genome position (GRCh38, 1-based): chr1:67,395,686, G>C. VCF-style: chr1-67395686-G-C. GRCh37 (hg19) VCF-style: chr1-67861369-G-C.
Other names: c.*106G>C (NM_001258214.1, NM_001319233.1); c.1928G>C, p.Arg643Thr (NM_001258215.1); c.*87G>C (NM_001258216.1); c.2186G>C, p.Arg729Thr (NM_001559.3); short protein forms R643T, R729T.
Identifiers: ClinVar variation 1481478 (VCV001481478.6), dbSNP rs1335459138, ClinGen allele CA340735053.

ClinVar aggregate classification (germline): Uncertain significance (1 of 4 stars; one submission).

Allele frequency attached by ClinVar (database versions not stated): gnomAD 0.00001; gnomAD exomes 0.00002.
gnomAD v4.1: 7 of 1,613,996 alleles (0.00043%); highest among the groups gnomAD compares: Admixed American, 0.0067%; no homozygotes.

Submission:

Labcorp Genetics (formerly Invitae), Labcorp
Classification: Uncertain significance. Last evaluated: 2024-10-23. Review status: criteria provided, single submitter. Criteria: Invitae Variant Classification Sherloc (09022015). Collection method: clinical testing. Allele origin: germline.
Comment: This sequence change replaces arginine, which is basic and polar, with threonine, which is neutral and polar, at codon 729 of the IL12RB2 protein (p.Arg729Thr). This variant is present in population databases (no rsID available, gnomAD 0.01%). This variant has not been reported in the literature in individuals affected with IL12RB2-related conditions. ClinVar contains an entry for this variant (Variation ID: 1481478). An algorithm developed to predict the effect of missense changes on protein structure and function (PolyPhen-2) suggests that this variant is likely to be tolerated. In summary, the available evidence is currently insufficient to determine the role of this variant in disease. Therefore, it has been classified as a Variant of Uncertain Significance.